The following is an entry in ClinVar:

NM_015046.7(SETX):c.32G>A (p.Gly11Asp)

Gene: SETX (senataxin; minus strand). Cytogenetic location: 9q34.13.
Variant type: single nucleotide variant.
Coding change: c.32G>A on transcript NM_015046.7 (MANE Select); coding-DNA position 32, G replaced by A.
Protein change: p.Gly11Asp; replaces glycine 11 with aspartic acid.
Molecular consequence: missense variant.
Genome position (GRCh38, 1-based): chr9:132,349,397, C>T on the plus strand (G>A on the coding strand, the complement: SETX is on the minus strand). VCF-style: chr9-132349397-C-T. GRCh37 (hg19) VCF-style: chr9-135224784-C-T.
Other names: c.32G>A, p.Gly11Asp (NM_001351527.2, NM_001351528.2); short protein forms G11D.
Identifiers: ClinVar variation 365380 (VCV000365380.11), dbSNP rs886063560, ClinGen allele CA10626642.

ClinVar aggregate classification (germline): Uncertain significance. Review status: criteria provided, multiple submitters, no conflicts (2 of 4 stars). 6 submissions from 4 submitters: Uncertain significance (6). Last evaluated 2026-10-15.

Conditions:
Spinocerebellar ataxia, autosomal recessive, with axonal neuropathy 2 (SCAN2). Also called: Ataxia-ocular apraxia-2; Ataxia with Oculomotor Apraxia Type 2; Ataxia with Oculomotor Apraxia; ATAXIA-OCULOMOTOR APRAXIA 2. Identifiers: Orphanet 64753, MedGen C1853761, MONDO:0018996, OMIM 606002.
Amyotrophic lateral sclerosis type 4 (ALS4). Also called: NEURONOPATHY, DISTAL HEREDITARY MOTOR, WITH PYRAMIDAL FEATURES; AMYOTROPHIC LATERAL SCLEROSIS 4, JUVENILE. Identifiers: Orphanet 357043, MedGen C1865409, MONDO:0011223, OMIM 602433.

Submissions (6):

GeneDx
Classification: Uncertain significance. Last evaluated: 2026-10-15. Review status: criteria provided, single submitter. Criteria: GeneDx Variant Classification Process June 2021. Collection method: clinical testing. Allele origin: germline.
Comment: Not observed at significant frequency in large population cohorts (gnomAD); In silico analysis suggests that this missense variant does not alter protein structure/function; Has not been previously published as pathogenic or benign to our knowledge

Genome-Nilou Lab
Classification: Uncertain significance for Spinocerebellar ataxia, autosomal recessive, with axonal neuropathy 2. Last evaluated: 2023-02-08. Review status: criteria provided, single submitter. Criteria: ACMG Guidelines, 2015. Collection method: clinical testing. Allele origin: germline.

Genome-Nilou Lab
Classification: Uncertain significance for Amyotrophic lateral sclerosis type 4. Last evaluated: 2023-02-08. Review status: criteria provided, single submitter. Criteria: ACMG Guidelines, 2015. Collection method: clinical testing. Allele origin: germline.

Athena Diagnostics
Classification: Uncertain significance. Last evaluated: 2022-03-04. Review status: criteria provided, single submitter. Criteria: Athena Diagnostics Criteria. Collection method: clinical testing. Allele origin: unknown.

Illumina Laboratory Services, Illumina
Classification: Uncertain significance for Amyotrophic lateral sclerosis type 4. Last evaluated: 2018-01-12. Review status: criteria provided, single submitter. Criteria: ICSL Variant Classification Criteria 13 December 2019. Collection method: clinical testing. Allele origin: germline.

Illumina Laboratory Services, Illumina
Classification: Uncertain significance for Spinocerebellar ataxia, autosomal recessive, with axonal neuropathy 2. Last evaluated: 2018-01-12. Review status: criteria provided, single submitter. Criteria: ICSL Variant Classification Criteria 13 December 2019. Collection method: clinical testing. Allele origin: germline.